The following is an entry in ClinVar:

ClinVar aggregate classification (germline): Pathogenic/Likely pathogenic. Review status: criteria provided, multiple submitters, no conflicts (2 of 4 stars). 6 submissions from 6 submitters: Pathogenic (2); Likely pathogenic (2). 2 of the submissions do not count toward it. Last evaluated 2025-09-10.

Conditions:
Methylmalonic acidemia (MMA). Also called: Isolated Methylmalonic Acidemia. Identifiers: MedGen C0268583, MeSH C537358, MONDO:0002012, HP:0002912.
Methylmalonic aciduria, cblB type (MACB). Also called: Vitamin B12-responsive methylmalonic acidemia type cblB; METHYLMALONIC ACIDURIA, VITAMIN B12-RESPONSIVE, DUE TO DEFECT IN SYNTHESIS OF ADENOSYLCOBALAMIN, cblB TYPE; Methylmalonic acidemia cblB type. Identifiers: Orphanet 28, Orphanet 79311, MedGen C1855102, MONDO:0009614, OMIM 251110.

Allele frequency attached by ClinVar (database versions not stated): gnomAD exomes below 0.00001; ExAC 0.00001; TOPMed 0.00002.
gnomAD v4.1: 12 of 1,610,882 alleles (0.00074%); highest among the groups gnomAD compares: African/African-American, 0.0013%; no homozygotes.

Submissions (6):

Natera, Inc.
Classification: Likely pathogenic for Methylmalonic aciduria cblB type. Last evaluated: 2025-09-10. Review status: criteria provided, single submitter. Criteria: Natera Variant Classification Schema (03/2026). Collection method: clinical testing. Allele origin: germline.
Comment: The c.557G>A variant in MMAB is a missense variant predicted to cause substitution of arginine to glutamine at amino acid 186. This variant is rare in the general population with a frequency below the threshold expected for the associated phenotype(s). This variant has been observed in one or more individuals affected with the associated recessive disease, as either homozygous or compound heterozygous with a second variant (PMID: 34796408, 16410054). A different variant at the same position has been determined to be Pathogenic or Likely Pathogenic. Computational prediction algorithms indicate this variant is likely to affect gene or protein function. Given the available evidence, this variant is classified as Likely Pathogenic.

Labcorp Genetics (formerly Invitae), Labcorp
Classification: Pathogenic for Methylmalonic aciduria, cblB type. Last evaluated: 2024-02-01. Review status: criteria provided, single submitter. Criteria: Invitae Variant Classification Sherloc (09022015). Collection method: clinical testing. Allele origin: germline.
Comment: This sequence change replaces arginine, which is basic and polar, with glutamine, which is neutral and polar, at codon 186 of the MMAB protein (p.Arg186Gln). This variant is present in population databases (rs773059864, gnomAD 0.0009%). This missense change has been observed in individuals with clinical features of cobalamin B type methylmalonic aciduria (PMID: 16410054, 33453710, 33552909, 34796408). ClinVar contains an entry for this variant (Variation ID: 552212). Advanced modeling of protein sequence and biophysical properties (such as structural, functional, and spatial information, amino acid conservation, physicochemical variation, residue mobility, and thermodynamic stability) performed at Invitae indicates that this missense variant is expected to disrupt MMAB protein function with a positive predictive value of 80%. This variant disrupts the p.Arg186 amino acid residue in MMAB. Other variant(s) that disrupt this residue have been determined to be pathogenic (PMID: 12471062, 16410054, 16439175, 19625202). This suggests that this residue is clinically significant, and that variants that disrupt this residue are likely to be disease-causing. For these reasons, this variant has been classified as Pathogenic.

Laboratory for Molecular Medicine, Mass General Brigham Personalized Medicine
Classification: Likely pathogenic for Methylmalonic acidemia. Last evaluated: 2022-08-26. Review status: criteria provided, single submitter. Criteria: ACMG Guidelines, 2015. Collection method: clinical testing. Allele origin: germline.
Comment: The p.Arg186Gln variant in MMAB has been reported in the homozygous state in 3 individuals with methylmalonic acidemia (Lerner-Ellis 2006 PMID: 16410054, Kiykim 2021 PMID: 33552909). It has also been reported in ClinVar (Variation ID 552212) and it has been identified in 2/67960 of European chromosomes by gnomAD. Computational prediction tools and conservation analyses suggest that this variant may impact the protein, though this information is not predictive enough to determine pathogenicity. Another variant involving this codon (p.Arg186Trp) has been identified in individuals with methylmalonic acidemia and is classified as pathogenic by several clinical laboratories in ClinVar and they occur in one of highly conserved residus, which are thought to be involved in the formation of the active site where many pathogenic variants in this gene have been identified (Lerner-Ellis 2006 PMID: 16410054). In summary, although additional studies are required to fully establish its clinical significance, this variant meets criteria to be classified as likely pathogenic for autosomal autosomal methylmalonic acidemia. ACMG/AMP criteria provided: PM2_Supporting, PP3, PM5, PM3, PM1.

Juno Genomics, Hangzhou Juno Genomics, Inc
Classification: Pathogenic for Methylmalonic aciduria, cblB type. Review status: criteria provided, single submitter. Criteria: ACMG Guidelines, 2015. Collection method: clinical testing. Allele origin: germline.
Comment: Absent from controls (or at extremely low frequency if recessive) in Genome Aggregation Database.;Multiple lines of computational evidence support a deleterious effect on the gene or gene product.;For recessive disorders, detected in trans with a pathogenic variant.;Patient's phenotype or family history is highly specific for a disease with a single genetic etiology.;Novel missense change at an amino acid residue where a different missense change determined to be pathogenic has been seen before.

Baumgartner lab, University Children's Hospital Zurich
Classification: Pathogenic for Methylmalonic aciduria, cblB type. Last evaluated: 2021-06-01. Review status: no assertion criteria provided. Collection method: clinical testing. Allele origin: germline. Affected: yes. Not counted in ClinVar's aggregate classification.

Counsyl
Classification: Uncertain significance for Methylmalonic aciduria, cblB type. Last evaluated: 2017-05-30. Review status: no assertion criteria provided. Collection method: clinical testing. Allele origin: unknown. Not counted in ClinVar's aggregate classification.

Literature cited by the submitters: PubMed 34796408 (cited by Natera, Inc. and Labcorp Genetics (formerly Invitae), Labcorp); PubMed 16410054 (cited by 3 submitters); PubMed 33453710 (cited by Labcorp Genetics (formerly Invitae), Labcorp); PubMed 33552909 (cited by Labcorp Genetics (formerly Invitae), Labcorp); PubMed 12471062 (cited by Labcorp Genetics (formerly Invitae), Labcorp); PubMed 16439175 (cited by Labcorp Genetics (formerly Invitae), Labcorp); PubMed 19625202 (cited by Labcorp Genetics (formerly Invitae), Labcorp).

NM_052845.4(MMAB):c.557G>A (p.Arg186Gln)

Gene: MMAB (metabolism of cobalamin associated B; minus strand). Cytogenetic location: 12q24.11.
Variant type: single nucleotide variant.
Coding change: c.557G>A on transcript NM_052845.4 (MANE Select); coding-DNA position 557, G replaced by A.
Protein change: p.Arg186Gln; replaces arginine 186 with glutamine.
Molecular consequence: missense variant. On other transcripts: non-coding transcript variant (1).
Genome position (GRCh38, 1-based): chr12:109,561,067, C>T on the plus strand (G>A on the coding strand, the complement: MMAB is on the minus strand). VCF-style: chr12-109561067-C-T. GRCh37 (hg19) VCF-style: chr12-109998872-C-T.
Other names: short protein forms R186Q.
Identifiers: ClinVar variation 552212 (VCV000552212.21), dbSNP rs773059864, ClinGen allele CA6778832.